The following is an entry in ClinVar:

NM_000553.6(WRN):c.1084G>A (p.Val362Ile)

Gene: WRN (WRN RecQ like helicase; plus strand). Cytogenetic location: 8p12.
Variant type: single nucleotide variant.
Coding change: c.1084G>A on transcript NM_000553.6 (MANE Select); coding-DNA position 1084, G replaced by A.
Protein change: p.Val362Ile; replaces valine 362 with isoleucine.
Molecular consequence: missense variant.
Genome position (GRCh38, 1-based): chr8:31,081,111, G>A. VCF-style: chr8-31081111-G-A. GRCh37 (hg19) VCF-style: chr8-30938627-G-A.
Other names: short protein forms V362I.
Identifiers: ClinVar variation 458376 (VCV000458376.8), dbSNP rs755136292, ClinGen allele CA4704248.

ClinVar aggregate classification (germline): Uncertain significance (1 of 4 stars; one submission).

Conditions:
Werner syndrome (WRN). Identifiers: Orphanet 902, MedGen C0043119, MONDO:0010196, OMIM 277700.

Allele frequency attached by ClinVar (database versions not stated): gnomAD 0.00001; gnomAD exomes 0.00001 and 0.00004; ExAC 0.00002; TOPMed 0.00003.
gnomAD v4.1: 12 of 1,613,914 alleles (0.00074%); highest among the groups gnomAD compares: East Asian, 0.025%; no homozygotes.

Submission:

Labcorp Genetics (formerly Invitae), Labcorp
Classification: Uncertain significance for Werner syndrome. Last evaluated: 2025-11-25. Review status: criteria provided, single submitter. Criteria: Invitae Variant Classification Sherloc (09022015). Collection method: clinical testing. Allele origin: germline.
Comment: This sequence change replaces valine, which is neutral and non-polar, with isoleucine, which is neutral and non-polar, at codon 362 of the WRN protein (p.Val362Ile). This variant is present in population databases (rs755136292, gnomAD 0.05%). This variant has not been reported in the literature in individuals affected with WRN-related conditions. ClinVar contains an entry for this variant (Variation ID: 458376). An algorithm developed to predict the effect of missense changes on protein structure and function outputs the following: PolyPhen-2: "Benign". The isoleucine amino acid residue is found in multiple mammalian species, which suggests that this missense change does not adversely affect protein function. In summary, the available evidence is currently insufficient to determine the role of this variant in disease. Therefore, it has been classified as a Variant of Uncertain Significance.